The following is an entry in ClinVar:

NM_000493.4(COL10A1):c.1854_1855insTCACGCCTGTAATCCCAGCACTTTGGGAGGCCGAGGCGGGTGGATCATGAGGTCAGGAGATCGAGACNNNNNNNNNNAAAAAAAAAAAAAAAAAAAAAAGAATGGC (p.Thr619delinsSerArgLeuTer)

Genes: NT5DC1 (5'-nucleotidase domain containing 1; plus strand), COL10A1 (collagen type X alpha 1 chain; minus strand). Cytogenetic location: 6q22.1.
Variant type: Insertion.
Coding change: c.1854_1855insTCACGCCTGTAATCCCAGCACTTTGGGAGGCCGAGGCGGGTGGATCATGAGGTCAGGAGATCGAGACNNNNNNNNNNAAAAAAAAAAAAAAAAAAAAAAGAATGGC on transcript NM_000493.4 (MANE Select); coding-DNA positions 1854 to 1855, TCACGCCTGTAATCCCAGCACTTTGGGAGGCCGAGGCGGGTGGATCATGAGGTCAGGAGATCGAGACNNNNNNNNNNAAAAAAAAAAAAAAAAAAAAAAGAATGGC inserted.
Protein change: p.Thr619delinsSerArgLeuTer.
Molecular consequence: nonsense. On other transcripts: intron variant (1).
Genome position: GRCh38: chr6:116,120,270-116,120,271. GRCh37 (hg19): chr6:116,441,433-116,441,434.
Other names: c.1854_1855insTCACGCCTGTAATCCCAGCACTTTGGGAGGCCGAGGCGGGTGGATCATGAGGTCAGGAGATCGAGACNNNNNNNNNNAAAAAAAAAAAAAAAAAAAAAAGAATGGC, p.Thr619delinsSerArgLeuTer (NM_001424106.1, NM_001424107.1); c.529+2325_529+2326insTTTTTTTTTTTTTTTTTTTTNNNNNNNNNNGTCTCGATCTCCTGACCTCATGATCCACCCGCCTCGGCCTCCCAAAGTGCTGGGATTACAGGCGTGAGCCATTCTT (NM_152729.3).
Identifiers: ClinVar variation 4720570 (VCV004720570.1).

ClinVar aggregate classification (germline): Uncertain significance (1 of 4 stars; one submission).

Submission:

Labcorp Genetics (formerly Invitae), Labcorp
Classification: Uncertain significance. Last evaluated: 2025-06-29. Review status: criteria provided, single submitter. Criteria: Invitae Variant Classification Sherloc (09022015). Collection method: clinical testing. Allele origin: germline.
Comment: This sequence change inserts a large fragment of DNA, likely a transposable element, in exon 3 of the COL10A1 gene (c.1854_1855ins?), causing a frameshift at codon 619 (p.Thr619fs). The exact size and sequence of the insertion cannot be determined by the current assay. However, the insertion is expected to result in an absent or disrupted protein product. This variant is not present in population databases (gnomAD no frequency). A similar variant has been observed in individual(s) with clinical features of autosomal dominant COL10A1-related conditions (internal data). Experimental studies and prediction algorithms are not available or were not evaluated, and the functional significance of this variant is currently unknown. Retrotransposon insertions including LINE1 (L1), Alu, and SVA (SINE-VNTR-Alu) have been reported to disrupt protein function (PMID: 19763152, 20307669, 22406018). However the effect of this particular variant is unknown. In summary, the available evidence is currently insufficient to determine the role of this variant in disease. Therefore, it has been classified as a Variant of Uncertain Significance.

Literature cited by the submitters: PubMed 19763152; PubMed 20307669; PubMed 22406018.